The following is an entry in ClinVar:

ClinVar aggregate classification (germline): Uncertain significance (1 of 4 stars; one submission).

Conditions:
Hereditary spastic paraplegia 28. Also called: Spastic paraplegia 28, autosomal recessive. Identifiers: Orphanet 101008, MedGen C1836295, MONDO:0012256, OMIM 609340.

gnomAD v4.1: 2 of 1,541,428 alleles (0.00013%); highest among the groups gnomAD compares: Non-Finnish European, 0.000087%; no homozygotes.

Submission:

Labcorp Genetics (formerly Invitae), Labcorp
Classification: Uncertain significance for Hereditary spastic paraplegia 28. Last evaluated: 2022-02-22. Review status: criteria provided, single submitter. Criteria: Invitae Variant Classification Sherloc (09022015). Collection method: clinical testing. Allele origin: germline.
Comment: This sequence change replaces alanine, which is neutral and non-polar, with glutamic acid, which is acidic and polar, at codon 33 of the DDHD1 protein (p.Ala33Glu). In summary, the available evidence is currently insufficient to determine the role of this variant in disease. Therefore, it has been classified as a Variant of Uncertain Significance. Algorithms developed to predict the effect of missense changes on protein structure and function (SIFT, PolyPhen-2, Align-GVGD) all suggest that this variant is likely to be tolerated. This variant has not been reported in the literature in individuals affected with DDHD1-related conditions. This variant is not present in population databases (gnomAD no frequency).

NM_001160148.2(DDHD1):c.98C>A (p.Ala33Glu)

Gene: DDHD1 (DDHD domain containing 1; minus strand). Cytogenetic location: 14q22.1.
Variant type: single nucleotide variant.
Coding change: c.98C>A on transcript NM_001160148.2 (MANE Select); coding-DNA position 98, C replaced by A.
Protein change: p.Ala33Glu; replaces alanine 33 with glutamic acid.
Molecular consequence: missense variant.
Genome position (GRCh38, 1-based): chr14:53,153,001, G>T on the plus strand (C>A on the coding strand, the complement: DDHD1 is on the minus strand). VCF-style: chr14-53153001-G-T. GRCh37 (hg19) VCF-style: chr14-53619719-G-T.
Other names: c.98C>A, p.Ala33Glu (NM_001160147.2, NM_030637.3); short protein forms A33E.
Identifiers: ClinVar variation 2101603 (VCV002101603.4), dbSNP rs746372224, ClinGen allele CA7191593.
Genomic context (GRCh38, chr14:53,153,001, plus strand): 5'-TCGCCGTCGTCCGGGTCCCCGCCGGGCAGGTGCTCGAAGCAGCAGACGCCGCCGCCGAAC[G>T]CTGGCCTCGCGTCTGAGCCCAGCTCCCAGGCGCCGCCGCCGCCGCCTCGGCCGTTATGCT-3'
Protein context (NP_001153620.1, residues 23-43): AWELGSDARP[Ala33Glu]FGGGVCCFEH